The following is an entry in ClinVar:

ClinVar aggregate classification (germline): Likely benign. Review status: criteria provided, multiple submitters, no conflicts (2 of 4 stars). 2 submissions from 2 submitters: Likely benign (2). Last evaluated 2018-01-13.

Conditions:
Familial renal glucosuria (GLYS). Also called: Familial renal glycosuria; RENAL GLUCOSURIA, AUTOSOMAL DOMINANT. Identifiers: Orphanet 69076, MedGen C3245525, MONDO:0009297, OMIM 233100.

Allele frequency attached by ClinVar (database versions not stated): gnomAD exomes 0.00046; ExAC 0.00076; gnomAD 0.00216 and 0.00220; TOPMed 0.00218; ESP Exome Variant Server 0.00246; 1000 Genomes Project 30x 0.00359; 1000 Genomes Project 0.00379.
gnomAD v4.1: 602 of 1,554,706 alleles (0.039%); highest among the groups gnomAD compares: African/African-American, 0.68%; 4 homozygotes.

Submissions (2):

Illumina Laboratory Services, Illumina
Classification: Likely benign for Familial renal glucosuria. Last evaluated: 2018-01-13. Review status: criteria provided, single submitter. Criteria: ICSL Variant Classification Criteria 13 December 2019. Collection method: clinical testing. Allele origin: germline.
Comment: This variant was observed in the ICSL laboratory as part of a predisposition screen in an ostensibly healthy population. It had not been previously curated by ICSL or reported in the Human Gene Mutation Database (HGMD: prior to June 1st, 2018), and was therefore a candidate for classification through an automated scoring system. Utilizing variant allele frequency, disease prevalence and penetrance estimates, and inheritance mode, an automated score was calculated to assess if this variant is too frequent to cause the disease. Based on the score and internal cut-off values, a variant classified as likely benign is not then subjected to further curation. The score for this variant resulted in a classification of likely benign for this disease.

Breakthrough Genomics
Classification: Likely benign. Review status: criteria provided, single submitter. Criteria: ACMG Guidelines, 2015. Collection method: not provided. Allele origin: germline. Inheritance: Autosomal dominant inheritance. Affected: yes.

NM_003041.4(SLC5A2):c.*33C>G

Genes: RUSF1 (RUS family member 1; minus strand), SLC5A2 (solute carrier family 5 member 2; plus strand). Cytogenetic location: 16p11.2.
Variant type: single nucleotide variant.
Coding change: c.*33C>G on transcript NM_003041.4 (MANE Select); 33 bases downstream of the stop codon, C replaced by G.
Molecular consequence: 3 prime UTR variant. On other transcripts: non-coding transcript variant (1).
Genome position (GRCh38, 1-based): chr16:31,490,568, C>G. VCF-style: chr16-31490568-C-G. GRCh37 (hg19) VCF-style: chr16-31501889-C-G.
Other names: c.*267G>C (NM_022744.4).
Identifiers: ClinVar variation 884837 (VCV000884837.5), dbSNP rs199886583, ClinGen allele CA8031414.
Genomic context (GRCh38, chr16:31,490,568, plus strand): 5'-CGTGTTCCTCTGGGGCTTCTATGCCTAAGACCAACTGCGTTGGACACCATAAGCCACAGC[C>G]TCACAGGAAGTGGGGGTGAGGAGCCTGCGGTGCTCCCCAGAAAAGGGGAAGGGGCAGTGG-3'